The following is an entry in ClinVar:

NM_177438.3(DICER1):c.1401A>C (p.Gln467His)

Gene: DICER1 (dicer 1, ribonuclease III; minus strand). Cytogenetic location: 14q32.13.
Variant type: single nucleotide variant.
Coding change: c.1401A>C on transcript NM_177438.3 (MANE Select); coding-DNA position 1401, A replaced by C.
Protein change: p.Gln467His; replaces glutamine 467 with histidine.
Molecular consequence: missense variant.
Genome position (GRCh38, 1-based): chr14:95,117,730, T>G on the plus strand (A>C on the coding strand, the complement: DICER1 is on the minus strand). VCF-style: chr14-95117730-T-G. GRCh37 (hg19) VCF-style: chr14-95584067-T-G.
Other names: c.1401A>C, p.Gln467His (NM_001195573.1, NM_001271282.3, NM_001291628.2 and 1 more transcripts); short protein forms Q467H.
Identifiers: ClinVar variation 958700 (VCV000958700.4), dbSNP rs1892607259, ClinGen allele CA390885651.

ClinVar aggregate classification (germline): Uncertain significance. Review status: criteria provided, multiple submitters, no conflicts (2 of 4 stars). 2 submissions from 2 submitters: Uncertain significance (2). Last evaluated 2021-06-28.

Conditions:
DICER1-related tumor predisposition. Also called: DICER1 syndrome; DICER1-related pleuropulmonary blastoma cancer predisposition syndrome. Identifiers: Orphanet 284343, MedGen C3839822, MONDO:0100216.
Hereditary cancer-predisposing syndrome. Also called: Hereditary neoplastic syndrome; Tumor predisposition; Neoplastic Syndromes, Hereditary; Hereditary Cancer Syndrome. Identifiers: Orphanet 140162, MedGen C0027672, MeSH D009386, MONDO:0015356.

Allele frequency attached by ClinVar (database versions not stated): gnomAD exomes below 0.00001.
gnomAD v4.1: 1 of 1,614,038 alleles (0.000062%); highest among the groups gnomAD compares: South Asian, 0.0011%; no homozygotes.

Submissions (2):

Ambry Genetics
Classification: Uncertain significance for Hereditary cancer-predisposing syndrome. Last evaluated: 2021-06-28. Review status: criteria provided, single submitter. Criteria: Ambry Variant Classification Scheme 2023. Collection method: clinical testing. Allele origin: germline.
Comment: The p.Q467H variant (also known as c.1401A>C), located in coding exon 8 of the DICER1 gene, results from an A to C substitution at nucleotide position 1401. The glutamine at codon 467 is replaced by histidine, an amino acid with highly similar properties. This amino acid position is highly conserved in available vertebrate species. In addition, this alteration is predicted to be tolerated by in silico analysis. Since supporting evidence is limited at this time, the clinical significance of this alteration remains unclear.

Labcorp Genetics (formerly Invitae), Labcorp
Classification: Uncertain significance for DICER1-related tumor predisposition. Last evaluated: 2019-10-25. Review status: criteria provided, single submitter. Criteria: Invitae Variant Classification Sherloc (09022015). Collection method: clinical testing. Allele origin: germline.
Comment: This sequence change replaces glutamine with histidine at codon 467 of the DICER1 protein (p.Gln467His). The glutamine residue is highly conserved and there is a small physicochemical difference between glutamine and histidine. This variant is not present in population databases (ExAC no frequency). This variant has not been reported in the literature in individuals with DICER1-related conditions. Algorithms developed to predict the effect of missense changes on protein structure and function are either unavailable or do not agree on the potential impact of this missense change (SIFT: "Tolerated"; PolyPhen-2: "Probably Damaging"; Align-GVGD: "Class C0"). In summary, the available evidence is currently insufficient to determine the role of this variant in disease. Therefore, it has been classified as a Variant of Uncertain Significance.